The following is an entry in ClinVar:

NM_006206.6(PDGFRA):c.939T>A (p.Gly313=)

Gene: PDGFRA (platelet derived growth factor receptor alpha; plus strand). Cytogenetic location: 4q12.
Variant type: single nucleotide variant.
Coding change: c.939T>A on transcript NM_006206.6 (MANE Select); coding-DNA position 939, T replaced by A.
Protein change: p.Gly313=; no amino-acid change (glycine 313 retained).
Molecular consequence: synonymous variant.
Genome position (GRCh38, 1-based): chr4:54,267,559, T>A. VCF-style: chr4-54267559-T-A. GRCh37 (hg19) VCF-style: chr4-55133726-T-A.
Other names: c.939T>A, p.Gly313= (NM_001347827.2, NM_001347829.2); c.1014T>A, p.Gly338= (NM_001347828.2); c.978T>A, p.Gly326= (NM_001347830.2).
Identifiers: ClinVar variation 3930172 (VCV003930172.2).

ClinVar aggregate classification (germline): Benign/Likely benign. Review status: criteria provided, multiple submitters, no conflicts (2 of 4 stars). 2 submissions from 2 submitters: Benign (1); Likely benign (1). Last evaluated 2026-06-16.

Conditions:
Hereditary cancer-predisposing syndrome. Also called: Neoplastic Syndromes, Hereditary; Tumor predisposition; Hereditary Cancer Syndrome; Hereditary neoplastic syndrome. Identifiers: Orphanet 140162, MedGen C0027672, MeSH D009386, MONDO:0015356.
Polyps, multiple and recurrent inflammatory fibroid, gastrointestinal. Identifiers: MedGen C5193005, MONDO:0008285, OMIM 175510.

Submissions (2):

Myriad Genetics, Inc.
Classification: Benign for Polyps, multiple and recurrent inflammatory fibroid, gastrointestinal. Last evaluated: 2026-06-16. Review status: criteria provided, single submitter. Criteria: Myriad Autosomal Dominant, Autosomal Recessive and X-Linked Classification Criteria (2023). Collection method: clinical testing. Allele origin: unknown.
Comment: This variant is considered benign. This variant is a silent/synonymous amino acid change and it is not expected to impact splicing.

Ambry Genetics
Classification: Likely benign for Hereditary cancer-predisposing syndrome. Last evaluated: 2025-05-27. Review status: criteria provided, single submitter. Criteria: Ambry Variant Classification Scheme 2023. Collection method: clinical testing. Allele origin: germline.